The following is an entry in ClinVar:

ClinVar aggregate classification (germline): Uncertain significance. Review status: criteria provided, multiple submitters, no conflicts (2 of 4 stars). 3 submissions from 3 submitters: Uncertain significance (3). Last evaluated 2023-04-11.

Conditions:
Inborn genetic diseases. Identifiers: MedGen C0950123, MeSH D030342.
Pyridoxine-dependent epilepsy (EPEO4). Also called: Pyridoxine-Dependent Epilepsy - ALDH7A1; EPILEPSY, EARLY-ONSET, 4, VITAMIN B6-DEPENDENT; PYRIDOXINE DEPENDENCY WITH SEIZURES; Pyridoxine-Dependent Seizures. Identifiers: Orphanet 3006, MedGen C1849508, MONDO:0009945, OMIM 266100. Disease mechanism: loss of function.

Allele frequency attached by ClinVar (database versions not stated): gnomAD 0.00001; 1000 Genomes Project 0.00020; ExAC 0.00001; 1000 Genomes Project 30x 0.00016; TOPMed 0.00001.
gnomAD v4.1: 4 of 1,613,844 alleles (0.00025%); highest among the groups gnomAD compares: Admixed American, 0.0017%; no homozygotes.

Submissions (3):

Genome-Nilou Lab
Classification: Uncertain significance for Pyridoxine-dependent epilepsy. Last evaluated: 2023-04-11. Review status: criteria provided, single submitter. Criteria: ACMG Guidelines, 2015. Collection method: clinical testing. Allele origin: germline. Affected: no.

Labcorp Genetics (formerly Invitae), Labcorp
Classification: Uncertain significance for Pyridoxine-dependent epilepsy. Last evaluated: 2021-10-20. Review status: criteria provided, single submitter. Criteria: Invitae Variant Classification Sherloc (09022015). Collection method: clinical testing. Allele origin: germline.
Comment: This sequence change replaces threonine with serine at codon 332 of the ALDH7A1 protein (p.Thr332Ser). The threonine residue is highly conserved and there is a small physicochemical difference between threonine and serine. The frequency data for this variant in the population databases is considered unreliable, as metrics indicate poor data quality at this position in the ExAC database. This variant has not been reported in the literature in individuals affected with ALDH7A1-related conditions. Algorithms developed to predict the effect of missense changes on protein structure and function output the following: SIFT: "Deleterious"; PolyPhen-2: "Benign"; Align-GVGD: "Class C55". The serine amino acid residue is found in multiple mammalian species, which suggests that this missense change does not adversely affect protein function. Algorithms developed to predict the effect of sequence changes on RNA splicing suggest that this variant may create or strengthen a splice site. In summary, the available evidence is currently insufficient to determine the role of this variant in disease. Therefore, it has been classified as a Variant of Uncertain Significance.

Ambry Genetics
Classification: Uncertain significance for Inborn genetic diseases. Last evaluated: 2016-12-15. Review status: criteria provided, single submitter. Criteria: Ambry Variant Classification Scheme 2023. Collection method: clinical testing. Allele origin: germline.
Comment: The p.T332S variant (also known as c.995C>G), located in coding exon 11 of the ALDH7A1 gene, results from a C to G substitution at nucleotide position 995. The threonine at codon 332 is replaced by serine, an amino acid with similar properties. This amino acid position is well conserved in available vertebrate species; however, serine is the reference amino acid in other vertebrate species. In addition, the in silico prediction for this alteration is inconclusive. Since supporting evidence is limited at this time, the clinical significance of this alteration remains unclear.

NM_001182.5(ALDH7A1):c.995C>G (p.Thr332Ser)

Gene: ALDH7A1 (aldehyde dehydrogenase 7 family member A1; minus strand). Cytogenetic location: 5q23.2.
Variant type: single nucleotide variant.
Coding change: c.995C>G on transcript NM_001182.5 (MANE Select); coding-DNA position 995, C replaced by G.
Protein change: p.Thr332Ser; replaces threonine 332 with serine.
Molecular consequence: missense variant.
Genome position (GRCh38, 1-based): chr5:126,559,253, G>C on the plus strand (C>G on the coding strand, the complement: ALDH7A1 is on the minus strand). VCF-style: chr5-126559253-G-C. GRCh37 (hg19) VCF-style: chr5-125894945-G-C.
Other names: c.911C>G, p.Thr304Ser (NM_001201377.2); c.995C>G, p.Thr332Ser (NM_001202404.2); short protein forms T332S, T304S.
Identifiers: ClinVar variation 571248 (VCV000571248.8), dbSNP rs543182575, ClinGen allele CA3389572.